The following is an entry in ClinVar:

ClinVar aggregate classification (germline): Uncertain significance (1 of 4 stars; one submission).

Conditions:
Ullrich congenital muscular dystrophy 2 (UCMD2). Identifiers: Orphanet 75840, MedGen C4225314, MONDO:0014654, OMIM 616470.
Bethlem myopathy 2 (BTHLM2). Identifiers: Orphanet 536516, Orphanet 610, MedGen C4225313, MONDO:0034022, OMIM 616471.

Submission:

Labcorp Genetics (formerly Invitae), Labcorp
Classification: Uncertain significance for Bethlem myopathy 2; Ullrich congenital muscular dystrophy 2. Last evaluated: 2019-10-24. Review status: criteria provided, single submitter. Criteria: Invitae Variant Classification Sherloc (09022015). Collection method: clinical testing. Allele origin: germline.
Comment: This sequence change replaces arginine with glycine at codon 1834 of the COL12A1 protein (p.Arg1834Gly). The arginine residue is moderately conserved and there is a moderate physicochemical difference between arginine and glycine. This variant is not present in population databases (ExAC no frequency). This variant has not been reported in the literature in individuals with COL12A1-related conditions. Algorithms developed to predict the effect of missense changes on protein structure and function are either unavailable or do not agree on the potential impact of this missense change (SIFT: "Deleterious"; PolyPhen-2: "Benign"; Align-GVGD: "Class C0"). In summary, the available evidence is currently insufficient to determine the role of this variant in disease. Therefore, it has been classified as a Variant of Uncertain Significance.

NM_004370.6(COL12A1):c.5500C>G (p.Arg1834Gly)

Gene: COL12A1 (collagen type XII alpha 1 chain; minus strand). Cytogenetic location: 6q13.
Variant type: single nucleotide variant.
Coding change: c.5500C>G on transcript NM_004370.6 (MANE Select); coding-DNA position 5500, C replaced by G.
Protein change: p.Arg1834Gly; replaces arginine 1834 with glycine.
Molecular consequence: missense variant.
Genome position (GRCh38, 1-based): chr6:75,134,750, G>C on the plus strand (C>G on the coding strand, the complement: COL12A1 is on the minus strand). VCF-style: chr6-75134750-G-C. GRCh37 (hg19) VCF-style: chr6-75844466-G-C.
Other names: c.2008C>G, p.Arg670Gly (NM_080645.3); short protein forms R1834G, R670G.
Identifiers: ClinVar variation 955886 (VCV000955886.10), dbSNP rs775456254, ClinGen allele CA364736149.